The following is an entry in ClinVar:

ClinVar aggregate classification (germline): Uncertain significance. Review status: criteria provided, multiple submitters, no conflicts (2 of 4 stars). 7 submissions from 7 submitters: Uncertain significance (6). 1 of the submissions does not count toward it. Last evaluated 2025-09-04.

Conditions:
MYO7A-related disorder. Also called: MYO7A-related disorders.
Usher syndrome type 1 (USH1). Also called: RETINITIS PIGMENTOSA AND CONGENITAL DEAFNESS. Identifiers: Orphanet 231169, Orphanet 886, MedGen C1568247, MONDO:0010168, OMIM 276900.
Autosomal recessive nonsyndromic hearing loss 2. Also called: DEAFNESS, AUTOSOMAL RECESSIVE 2; NEUROSENSORY NONSYNDROMIC RECESSIVE DEAFNESS 2. Identifiers: Orphanet 90636, MedGen C1838701, MONDO:0010807, OMIM 600060.
Autosomal dominant nonsyndromic hearing loss 11. Identifiers: Orphanet 90635, MedGen C1832475, MONDO:0011032, OMIM 601317.
Usher syndrome type 1B (USH1B). Also called: Usher syndrome type IB. Identifiers: MedGen C1848638, MONDO:0700087.

Allele frequency attached by ClinVar (database versions not stated): gnomAD exomes 0.00001 and 0.00002; ExAC 0.00002; gnomAD 0.00003 and 0.00004; TOPMed 0.00003.
gnomAD v4.1: 24 of 1,612,248 alleles (0.0015%); highest among the groups gnomAD compares: South Asian, 0.0033%; no homozygotes.

Submissions (7):

PreventionGenetics, part of Exact Sciences
Classification: Uncertain significance for MYO7A-related condition. Last evaluated: 2025-09-04. Review status: criteria provided, single submitter. Criteria: ACMG Guidelines, 2015. Collection method: clinical testing. Allele origin: germline.
Comment: The MYO7A c.2597G>A variant is predicted to result in the amino acid substitution p.Arg866His. To our knowledge, this variant has not been reported in the literature. This variant is reported in 0.0084% of alleles in individuals of African descent in gnomAD. At this time, the clinical significance of this variant is uncertain due to the absence of conclusive functional and genetic evidence.

Blueprint Genetics
Classification: Uncertain significance. Last evaluated: 2023-09-29. Review status: criteria provided, single submitter. Criteria: ACMG Guidelines, 2015. Collection method: clinical testing. Allele origin: germline.

GeneDx
Classification: Uncertain significance. Last evaluated: 2022-09-30. Review status: criteria provided, single submitter. Criteria: GeneDx Variant Classification Process June 2021. Collection method: clinical testing. Allele origin: germline. Affected: yes.
Comment: In silico analysis supports that this missense variant does not alter protein structure/function; Has not been previously published as pathogenic or benign to our knowledge

Labcorp Genetics (formerly Invitae), Labcorp
Classification: Uncertain significance. Last evaluated: 2022-04-12. Review status: criteria provided, single submitter. Criteria: Invitae Variant Classification Sherloc (09022015). Collection method: clinical testing. Allele origin: germline.
Comment: This sequence change replaces arginine, which is basic and polar, with histidine, which is basic and polar, at codon 866 of the MYO7A protein (p.Arg866His). The frequency data for this variant in the population databases is considered unreliable, as metrics indicate poor data quality at this position in the gnomAD database. This variant has not been reported in the literature in individuals affected with MYO7A-related conditions. ClinVar contains an entry for this variant (Variation ID: 666885). Advanced modeling of protein sequence and biophysical properties (such as structural, functional, and spatial information, amino acid conservation, physicochemical variation, residue mobility, and thermodynamic stability) performed at Invitae indicates that this missense variant is not expected to disrupt MYO7A protein function. In summary, the available evidence is currently insufficient to determine the role of this variant in disease. Therefore, it has been classified as a Variant of Uncertain Significance.

Fulgent Genetics
Classification: Uncertain significance for Usher syndrome type 1; Autosomal recessive nonsyndromic hearing loss 2; Autosomal dominant nonsyndromic hearing loss 11. Last evaluated: 2021-07-06. Review status: criteria provided, single submitter. Criteria: ACMG Guidelines, 2015. Collection method: clinical testing. Allele origin: unknown.

Laboratory for Molecular Medicine, Mass General Brigham Personalized Medicine
Classification: Uncertain significance. Last evaluated: 2018-10-30. Review status: criteria provided, single submitter. Criteria: LMM Criteria. Collection method: clinical testing. Allele origin: germline. Observed: 1 variant allele.
Comment: The p.Arg866His variant in MYO7A has not been previously reported in individuals with hearing loss or Usher syndrome, but has been identified in 0.008% of Afric an chromosomes by gnomAD. Computational predi ction tools and conservation analysis do not provide strong support for or again st an impact to the protein. In summary, the clinical significance of the p.Arg8 66His variant is uncertain. ACMG/AMP Criteria applied: PM2_Supporting.

Natera, Inc.
Classification: Uncertain significance for Usher syndrome type 1B. Last evaluated: 2020-03-14. Review status: no assertion criteria provided. Collection method: clinical testing. Allele origin: germline. Not counted in ClinVar's aggregate classification.

NM_000260.4(MYO7A):c.2597G>A (p.Arg866His)

Gene: MYO7A (myosin VIIA; plus strand). Cytogenetic location: 11q13.5.
Variant type: single nucleotide variant.
Coding change: c.2597G>A on transcript NM_000260.4 (MANE Select); coding-DNA position 2597, G replaced by A.
Protein change: p.Arg866His; replaces arginine 866 with histidine.
Molecular consequence: missense variant.
Genome position (GRCh38, 1-based): chr11:77,180,384, G>A. VCF-style: chr11-77180384-G-A. GRCh37 (hg19) VCF-style: chr11-76891430-G-A.
Other names: c.2597G>A, p.Arg866His (NM_001127180.2); c.2564G>A, p.Arg855His (NM_001369365.1); short protein forms R866H, R855H.
Identifiers: ClinVar variation 666885 (VCV000666885.11), dbSNP rs199607235, ClinGen allele CA6197873.